The following is an entry in ClinVar:

NM_000218.3(KCNQ1):c.1033G>A (p.Gly345Arg)

Gene: KCNQ1 (potassium voltage-gated channel subfamily Q member 1; plus strand). Cytogenetic location: 11p15.5.
Variant type: single nucleotide variant.
Coding change: c.1033G>A on transcript NM_000218.3 (MANE Select); coding-DNA position 1033, G replaced by A.
Protein change: p.Gly345Arg; replaces glycine 345 with arginine.
Molecular consequence: missense variant.
Genome position (GRCh38, 1-based): chr11:2,585,212, G>A. VCF-style: chr11-2585212-G-A. GRCh37 (hg19) VCF-style: chr11-2606442-G-A.
Other names: c.763G>A, p.Gly255Arg (NM_001406837.1); c.652G>A, p.Gly218Arg (NM_181798.2); short protein forms G218R, G345R, G255R.
Identifiers: ClinVar variation 200837 (VCV000200837.14), dbSNP rs199473471, ClinGen allele CA005045.
Genomic context (GRCh38, chr11:2,585,212, plus strand): 5'-GGCTGCACCCAGCTGGCAGTGGCCTGTGTGGACGGGAGCCTCCTGTCCATTCCTTCCCAG[G>A]GGATTCTTGGCTCGGGGTTTGCCCTGAAGGTGCAGCAGAAGCAGAGGCAGAAGCACTTCA-3'
Protein context (NP_000209.2, residues 335-355): FAISFFALPA[Gly345Arg]ILGSGFALKV

ClinVar aggregate classification (germline): Pathogenic/Likely pathogenic. Review status: criteria provided, multiple submitters, no conflicts (2 of 4 stars). 2 submissions from 2 submitters: Pathogenic (1); Likely pathogenic (1). Last evaluated 2024-11-04.

Conditions:
Long QT syndrome (LQTS). Identifiers: MedGen C0023976, MeSH D008133, MONDO:0002442. Disease mechanism: loss of function. Inheritance: Various modes of inheritance.

Submissions (2):

Labcorp Genetics (formerly Invitae), Labcorp
Classification: Pathogenic for Long QT syndrome. Last evaluated: 2024-11-04. Review status: criteria provided, single submitter. Criteria: Invitae Variant Classification Sherloc (09022015). Collection method: clinical testing. Allele origin: germline.
Comment: This sequence change replaces glycine, which is neutral and non-polar, with arginine, which is basic and polar, at codon 345 of the KCNQ1 protein (p.Gly345Arg). This variant is not present in population databases (gnomAD no frequency). This missense change has been observed in individual(s) with long QT syndrome (PMID: 8528244, 9272155, 10220144, 14678125, 24762593, 26496715; internal data). In at least one individual the variant was observed to be de novo. ClinVar contains an entry for this variant (Variation ID: 200837). Invitae Evidence Modeling of protein sequence and biophysical properties (such as structural, functional, and spatial information, amino acid conservation, physicochemical variation, residue mobility, and thermodynamic stability) indicates that this missense variant is expected to disrupt KCNQ1 protein function with a positive predictive value of 95%. Algorithms developed to predict the effect of sequence changes on RNA splicing suggest that this variant may disrupt the consensus splice site. For these reasons, this variant has been classified as Pathogenic.

Stanford Center for Inherited Cardiovascular Disease, Stanford University
Classification: Likely pathogenic. Last evaluated: 2013-12-09. Review status: criteria provided, single submitter. Criteria: ACMG Guidelines, 2015. Collection method: provider interpretation. Allele origin: germline.

Literature cited by the submitters: PubMed 8528244 (cited by Labcorp Genetics (formerly Invitae), Labcorp); PubMed 9272155 (cited by Labcorp Genetics (formerly Invitae), Labcorp); PubMed 10220144 (cited by Labcorp Genetics (formerly Invitae), Labcorp); PubMed 14678125 (cited by Labcorp Genetics (formerly Invitae), Labcorp); PubMed 24762593 (cited by Labcorp Genetics (formerly Invitae), Labcorp); PubMed 26496715 (cited by Labcorp Genetics (formerly Invitae), Labcorp).